The following is an entry in ClinVar:

ClinVar aggregate classification (germline): Benign/Likely benign. Review status: criteria provided, multiple submitters, no conflicts (2 of 4 stars). 3 submissions from 3 submitters: Benign (1); Likely benign (2). Last evaluated 2026-01-01.

Conditions:
Hereditary cancer-predisposing syndrome. Also called: Tumor predisposition; Neoplastic Syndromes, Hereditary; Hereditary Cancer Syndrome; Hereditary neoplastic syndrome. Identifiers: Orphanet 140162, MedGen C0027672, MeSH D009386, MONDO:0015356.
EGFR-related lung cancer (EGFR). Identifiers: MedGen CN130014.
Lung cancer. Also called: Malignant tumor of lung; Lung cancer, somatic. Identifiers: MedGen C0242379, MONDO:0008903, OMIM 211980.

Allele frequency attached by ClinVar (database versions not stated): ExAC 0.00001; gnomAD exomes 0.00001.
gnomAD v4.1: 7 of 1,614,046 alleles (0.00043%); highest among the groups gnomAD compares: Admixed American, 0.0033%; no homozygotes.

Submissions (3):

Labcorp Genetics (formerly Invitae), Labcorp
Classification: Likely benign for EGFR-related lung cancer. Last evaluated: 2026-01-01. Review status: criteria provided, single submitter. Criteria: Invitae Variant Classification Sherloc (09022015). Collection method: clinical testing. Allele origin: germline.

Ambry Genetics
Classification: Likely benign for Hereditary cancer-predisposing syndrome. Last evaluated: 2025-02-13. Review status: criteria provided, single submitter. Criteria: Ambry Variant Classification Scheme 2023. Collection method: clinical testing. Allele origin: germline.

Myriad Genetics, Inc.
Classification: Benign for Lung cancer. Last evaluated: 2024-10-16. Review status: criteria provided, single submitter. Criteria: Myriad Autosomal Dominant, Autosomal Recessive and X-Linked Classification Criteria (2023). Collection method: clinical testing. Allele origin: unknown.
Comment: This variant is considered benign. This variant is a silent/synonymous amino acid change and it is not expected to impact splicing.

NM_005228.5(EGFR):c.2226C>T (p.Val742=)

Gene: EGFR (epidermal growth factor receptor; plus strand). Cytogenetic location: 7p11.2.
Variant type: single nucleotide variant.
Coding change: c.2226C>T on transcript NM_005228.5 (MANE Select); coding-DNA position 2226, C replaced by T.
Protein change: p.Val742=; no amino-acid change (valine 742 retained).
Molecular consequence: synonymous variant.
Genome position (GRCh38, 1-based): chr7:55,174,763, C>T. VCF-style: chr7-55174763-C-T. GRCh37 (hg19) VCF-style: chr7-55242456-C-T.
Other names: c.2091C>T, p.Val697= (NM_001346897.2, NM_001346899.2); c.2226C>T, p.Val742= (NM_001346898.2); c.2067C>T, p.Val689= (NM_001346900.2); c.1425C>T, p.Val475= (NM_001346941.2); c.2226C>T (NM_005228.3).
Identifiers: ClinVar variation 1107106 (VCV001107106.11), dbSNP rs773835994, ClinGen allele CA4266018.